The following is an entry in ClinVar:

ClinVar aggregate classification (germline): Uncertain significance (1 of 4 stars; one submission).

Conditions:
Inborn genetic diseases. Identifiers: MedGen C0950123, MeSH D030342.

gnomAD v4.1: 1 of 1,610,960 alleles (0.000062%); highest among the groups gnomAD compares: Non-Finnish European, 0.000085%; no homozygotes.

Submission:

Ambry Genetics
Classification: Uncertain significance for Inborn genetic diseases. Last evaluated: 2025-12-09. Review status: criteria provided, single submitter. Criteria: Ambry Variant Classification Scheme 2023. Collection method: clinical testing. Allele origin: germline.
Comment: The p.P1340Q variant (also known as c.4019C>A), located in coding exon 14 of the FANCM gene, results from a C to A substitution at nucleotide position 4019. The proline at codon 1340 is replaced by glutamine, an amino acid with similar properties. This amino acid position is conserved. In addition, this alteration is predicted to be tolerated by in silico analysis. Based on the available evidence, the clinical significance of this variant remains unclear.

NM_020937.4(FANCM):c.4019C>A (p.Pro1340Gln)

Gene: FANCM (FA complementation group M; plus strand). Cytogenetic location: 14q21.2.
Variant type: single nucleotide variant.
Coding change: c.4019C>A on transcript NM_020937.4 (MANE Select); coding-DNA position 4019, C replaced by A.
Protein change: p.Pro1340Gln; replaces proline 1340 with glutamine.
Molecular consequence: missense variant.
Genome position (GRCh38, 1-based): chr14:45,176,773, C>A. VCF-style: chr14-45176773-C-A. GRCh37 (hg19) VCF-style: chr14-45645976-C-A.
Other names: c.3941C>A, p.Pro1314Gln (NM_001308133.2); short protein forms P1340Q, P1314Q.
Identifiers: ClinVar variation 4619637 (VCV004619637.1).